The following is an entry in ClinVar:

NM_001127598.3(IGF2):c.34G>C (p.Ala12Pro)

Genes: IGF2 (insulin like growth factor 2; minus strand), INS-IGF2 (INS-IGF2 readthrough; minus strand). Cytogenetic location: 11p15.5.
Variant type: single nucleotide variant.
Coding change: c.34G>C on transcript NM_001127598.3; coding-DNA position 34, G replaced by C.
Protein change: p.Ala12Pro; replaces alanine 12 with proline.
Molecular consequence: missense variant. On other transcripts: intron variant (2).
Genome position (GRCh38, 1-based): chr11:2,140,263, C>G on the plus strand (G>C on the coding strand, the complement: IGF2 is on the minus strand). VCF-style: chr11-2140263-C-G. GRCh37 (hg19) VCF-style: chr11-2161493-C-G.
Other names: c.-6-4734G>C (NM_001007139.6); c.-7+594G>C (NM_001291862.3); short protein forms A12P.
Identifiers: ClinVar variation 1304615 (VCV001304615.4), dbSNP rs924071547, ClinGen allele CA379114878.
Genomic context (GRCh38, chr11:2,140,263, plus strand): 5'-TAATGGTTACCCCGTCCTCAGTGCGTTGGACTTGCATAGACGCGAGTTCGGTCTCGGGGG[C>G]CACCACGATAATTTGGGGGTCTGGGGAAACCATCTCCTGGAGAGTTTGAACGATGTAAGA-3'

ClinVar aggregate classification (germline): Uncertain significance (1 of 4 stars; one submission).

Allele frequency attached by ClinVar (database versions not stated): TOPMed below 0.00001.

Submission:

GeneDx
Classification: Uncertain significance. Last evaluated: 2020-07-06. Review status: criteria provided, single submitter. Criteria: GeneDx Variant Classification Process June 2021. Collection method: clinical testing. Allele origin: germline. Affected: yes.
Comment: Not observed in large population cohorts (Lek et al., 2016); In silico analysis supports that this missense variant does not alter protein structure/function; Has not been previously published as pathogenic or benign to our knowledge